The following is an entry in ClinVar:

NM_014639.4(SKIC3):c.2941C>T (p.Pro981Ser)

Gene: SKIC3 (SKI3 subunit of superkiller complex; minus strand). Cytogenetic location: 5q15.
Variant type: single nucleotide variant.
Coding change: c.2941C>T on transcript NM_014639.4 (MANE Select); coding-DNA position 2941, C replaced by T.
Protein change: p.Pro981Ser; replaces proline 981 with serine.
Molecular consequence: missense variant.
Genome position (GRCh38, 1-based): chr5:95,509,667, G>A on the plus strand (C>T on the coding strand, the complement: SKIC3 is on the minus strand). VCF-style: chr5-95509667-G-A. GRCh37 (hg19) VCF-style: chr5-94845371-G-A.
Other names: short protein forms P981S.
Identifiers: ClinVar variation 2192397 (VCV002192397.2), dbSNP rs1400217343, ClinGen allele CA360454964.

ClinVar aggregate classification (germline): Uncertain significance (1 of 4 stars; one submission).

Allele frequency attached by ClinVar (database versions not stated): gnomAD exomes 0.00001.
gnomAD v4.1: 8 of 1,613,218 alleles (0.0005%); highest among the groups gnomAD compares: East Asian, 0.0022%; no homozygotes.

Submission:

Labcorp Genetics (formerly Invitae), Labcorp
Classification: Uncertain significance. Last evaluated: 2022-04-01. Review status: criteria provided, single submitter. Criteria: Invitae Variant Classification Sherloc (09022015). Collection method: clinical testing. Allele origin: germline.
Comment: This variant is present in population databases (no rsID available, gnomAD 0.003%). In summary, the available evidence is currently insufficient to determine the role of this variant in disease. Therefore, it has been classified as a Variant of Uncertain Significance. Algorithms developed to predict the effect of missense changes on protein structure and function (SIFT, PolyPhen-2, Align-GVGD) all suggest that this variant is likely to be tolerated. This variant has not been reported in the literature in individuals affected with TTC37-related conditions. This sequence change replaces proline, which is neutral and non-polar, with serine, which is neutral and polar, at codon 981 of the TTC37 protein (p.Pro981Ser).